The following is an entry in ClinVar:

NM_145059.3(FCSK):c.1673C>T (p.Ala558Val)

Gene: FCSK (fucose kinase; plus strand). Cytogenetic location: 16q22.1.
Variant type: single nucleotide variant.
Coding change: c.1673C>T on transcript NM_145059.3 (MANE Select); coding-DNA position 1673, C replaced by T.
Protein change: p.Ala558Val; replaces alanine 558 with valine.
Molecular consequence: missense variant.
Genome position (GRCh38, 1-based): chr16:70,473,249, C>T. VCF-style: chr16-70473249-C-T. GRCh37 (hg19) VCF-style: chr16-70507152-C-T.
Other names: c.1673C>T (NM_145059.2); short protein forms A558V.
Identifiers: ClinVar variation 2196252 (VCV002196252.8), dbSNP rs370085424, ClinGen allele CA283470865.

ClinVar aggregate classification (germline): Uncertain significance. Review status: criteria provided, multiple submitters, no conflicts (2 of 4 stars). 4 submissions from 4 submitters: Uncertain significance (4). Last evaluated 2024-09-02.

Conditions:
Congenital disorder of glycosylation with defective fucosylation 2 (CDGF2). Identifiers: MedGen C5193028, MONDO:0020777, OMIM 618324.

Allele frequency attached by ClinVar (database versions not stated): gnomAD 0.00001; gnomAD exomes 0.00002; TOPMed 0.00003.
gnomAD v4.1: 28 of 1,533,528 alleles (0.0018%); highest among the groups gnomAD compares: African/African-American, 0.011%; no homozygotes.

Submissions (5):

Revvity Omics, Revvity
Classification: Uncertain significance for Congenital disorder of glycosylation with defective fucosylation 2. Last evaluated: 2024-09-02. Review status: criteria provided, single submitter. Criteria: ACMG Guidelines, 2015. Collection method: clinical testing. Allele origin: germline.

Labcorp Genetics (formerly Invitae), Labcorp
Classification: Uncertain significance. Last evaluated: 2022-10-17. Review status: criteria provided, single submitter. Criteria: Invitae Variant Classification Sherloc (09022015). Collection method: clinical testing. Allele origin: germline.
Comment: This variant is present in population databases (rs370085424, gnomAD 0.002%). In summary, the available evidence is currently insufficient to determine the role of this variant in disease. Therefore, it has been classified as a Variant of Uncertain Significance. Algorithms developed to predict the effect of sequence changes on RNA splicing suggest that this variant may create or strengthen a splice site. Algorithms developed to predict the effect of missense changes on protein structure and function output the following: SIFT: "Tolerated"; PolyPhen-2: "Benign"; Align-GVGD: "Class C0". The valine amino acid residue is found in multiple mammalian species, which suggests that this missense change does not adversely affect protein function. This variant has not been reported in the literature in individuals affected with FUK-related conditions. This sequence change replaces alanine, which is neutral and non-polar, with valine, which is neutral and non-polar, at codon 558 of the FUK protein (p.Ala558Val).

Ambry Genetics
Classification: Uncertain significance. Last evaluated: 2022-07-22. Review status: criteria provided, single submitter. Criteria: Ambry Variant Classification Scheme 2023. Collection method: clinical testing. Allele origin: germline.

Department of Pathology and Laboratory Medicine, Sinai Health System
Classification: Uncertain significance for Congenital disorder of glycosylation with defective fucosylation 2. Last evaluated: 2020-05-05. Review status: criteria provided, single submitter. Criteria: ACMG Guidelines, 2015. Collection method: research. Allele origin: germline.

Dr. Peter K. Rogan Lab, Western University
No classification provided (evidence only). Condition: Sarcoma. Review status: no classification provided. Collection method: in vitro. Allele origin: not applicable. Functional consequence: retained intron. Not counted in ClinVar's aggregate classification.